The following is an entry in ClinVar:

NM_000132.4(F8):c.5598G>A (p.Val1866=)

Gene: F8 (coagulation factor VIII; minus strand). Cytogenetic location: Xq28.
Variant type: single nucleotide variant.
Coding change: c.5598G>A on transcript NM_000132.4 (MANE Select); coding-DNA position 5598, G replaced by A.
Protein change: p.Val1866=; no amino-acid change (valine 1866 retained).
Molecular consequence: synonymous variant.
Genome position (GRCh38, 1-based): chrX:154,904,513, C>T on the plus strand (G>A on the coding strand, the complement: F8 is on the minus strand). VCF-style: chrX-154904513-C-T. GRCh37 (hg19) VCF-style: chrX-154132788-C-T.
Identifiers: ClinVar variation 3911600 (VCV003911600.6).

ClinVar aggregate classification (germline): Benign/Likely benign. Review status: criteria provided, multiple submitters, no conflicts (2 of 4 stars). 3 submissions from 3 submitters: Benign (1); Likely benign (2). Last evaluated 2026-03-01.

gnomAD v4.1: 226 of 1,204,246 alleles (0.019%); highest among the groups gnomAD compares: Admixed American, 0.11%; 1 homozygote.

Submissions (3):

CeGaT Center for Human Genetics Tuebingen
Classification: Likely benign. Last evaluated: 2026-03-01. Review status: criteria provided, single submitter. Criteria: CeGaT Center For Human Genetics Tuebingen Variant Classification Criteria Version 2. Collection method: clinical testing. Allele origin: germline. Affected: yes. Observed: 1 variant allele.
Comment: F8: BP4, BP7, BS2

Laboratory of Genetics, Children's Clinical University Hospital Latvia
Classification: Benign. Last evaluated: 2025-02-16. Review status: criteria provided, single submitter. Criteria: ACMG Guidelines, 2015. Collection method: clinical testing. Allele origin: germline. Affected: yes.

Blueprint Genetics
Classification: Likely benign. Last evaluated: 2024-05-21. Review status: criteria provided, single submitter. Criteria: ACMG Guidelines, 2015. Collection method: clinical testing. Allele origin: germline.